The following is an entry in ClinVar:

NM_145239.3(PRRT2):c.960G>A (p.Ala320=)

Genes: MVP-DT (MVP divergent transcript; minus strand), PRRT2 (proline rich transmembrane protein 2; plus strand). Cytogenetic location: 16p11.2.
Variant type: single nucleotide variant.
Coding change: c.960G>A on transcript NM_145239.3 (MANE Select); coding-DNA position 960, G replaced by A.
Protein change: p.Ala320=; no amino-acid change (alanine 320 retained).
Molecular consequence: synonymous variant. On other transcripts: 3 prime UTR variant (1).
Genome position (GRCh38, 1-based): chr16:29,814,413, G>A. VCF-style: chr16-29814413-G-A. GRCh37 (hg19) VCF-style: chr16-29825734-G-A.
Other names: c.960G>A, p.Ala320= (NM_001256442.2); c.*459G>A (NM_001256443.2).
Identifiers: ClinVar variation 698670 (VCV000698670.33), dbSNP rs753833531, ClinGen allele CA7994628.

ClinVar aggregate classification (germline): Benign/Likely benign. Review status: criteria provided, multiple submitters, no conflicts (2 of 4 stars). 4 submissions from 4 submitters: Benign (1); Likely benign (3). Last evaluated 2025-09-07.

Conditions:
Episodic kinesigenic dyskinesia (EKD). Also called: Paroxysmal kinesigenic dyskinesia. Identifiers: Orphanet 98809, MedGen C1868682, MONDO:0044202.
Inborn genetic diseases. Identifiers: MedGen C0950123, MeSH D030342.

Allele frequency attached by ClinVar (database versions not stated): TOPMed 0.00004; gnomAD exomes 0.00007 and 0.00017; gnomAD 0.00008 and 0.00009; ExAC 0.00014.

Submissions (4):

Labcorp Genetics (formerly Invitae), Labcorp
Classification: Benign for Episodic kinesigenic dyskinesia. Last evaluated: 2025-09-07. Review status: criteria provided, single submitter. Criteria: Invitae Variant Classification Sherloc (09022015). Collection method: clinical testing. Allele origin: germline.

CeGaT Center for Human Genetics Tuebingen
Classification: Likely benign. Last evaluated: 2025-07-01. Review status: criteria provided, single submitter. Criteria: CeGaT Center For Human Genetics Tuebingen Variant Classification Criteria Version 2. Collection method: clinical testing. Allele origin: germline. Affected: yes. Observed: 2 variant alleles.
Comment: PRRT2: BP4, BP7

Blueprint Genetics
Classification: Likely benign. Last evaluated: 2024-10-17. Review status: criteria provided, single submitter. Criteria: ACMG Guidelines, 2015. Collection method: clinical testing. Allele origin: germline.

Ambry Genetics
Classification: Likely benign for Inborn genetic diseases. Last evaluated: 2019-10-23. Review status: criteria provided, single submitter. Criteria: Ambry Variant Classification Scheme 2023. Collection method: clinical testing. Allele origin: germline.